The following is an entry in ClinVar:

NM_199355.4(ADAMTS18):c.1780G>C (p.Ala594Pro)

Gene: ADAMTS18 (ADAM metallopeptidase with thrombospondin type 1 motif 18; minus strand). Cytogenetic location: 16q23.1.
Variant type: single nucleotide variant.
Coding change: c.1780G>C on transcript NM_199355.4 (MANE Select); coding-DNA position 1780, G replaced by C.
Protein change: p.Ala594Pro; replaces alanine 594 with proline.
Molecular consequence: missense variant.
Genome position (GRCh38, 1-based): chr16:77,335,835, C>G on the plus strand (G>C on the coding strand, the complement: ADAMTS18 is on the minus strand). VCF-style: chr16-77335835-C-G. GRCh37 (hg19) VCF-style: chr16-77369732-C-G.
Other names: c.1264G>C, p.Ala422Pro (NM_001326358.2); short protein forms A422P, A594P.
Identifiers: ClinVar variation 1001064 (VCV001001064.7), dbSNP rs140240513, ClinGen allele CA8181164.

ClinVar aggregate classification (germline): Uncertain significance (1 of 4 stars; one submission).

gnomAD v4.1: 18 of 1,614,176 alleles (0.0011%); highest among the groups gnomAD compares: South Asian, 0.018%; 1 homozygote.

Submission:

Labcorp Genetics (formerly Invitae), Labcorp
Classification: Uncertain significance. Last evaluated: 2020-03-03. Review status: criteria provided, single submitter. Criteria: Invitae Variant Classification Sherloc (09022015). Collection method: clinical testing. Allele origin: germline.
Comment: In summary, the available evidence is currently insufficient to determine the role of this variant in disease. Therefore, it has been classified as a Variant of Uncertain Significance. Algorithms developed to predict the effect of missense changes on protein structure and function are either unavailable or do not agree on the potential impact of this missense change (SIFT: "Not Available"; PolyPhen-2: "Benign"; Align-GVGD: "Class Not Available"). This variant has not been reported in the literature in individuals with ADAMTS18-related conditions. This variant is present in population databases (rs140240513, ExAC 0.01%). This sequence change replaces alanine with proline at codon 594 of the ADAMTS18 protein (p.Ala594Pro). The alanine residue is moderately conserved and there is a small physicochemical difference between alanine and proline.